The following is an entry in ClinVar:

NM_001261826.3(AP3D1):c.1498C>T (p.His500Tyr)

Gene: AP3D1 (adaptor related protein complex 3 subunit delta 1; minus strand). Cytogenetic location: 19p13.3.
Variant type: single nucleotide variant.
Coding change: c.1498C>T on transcript NM_001261826.3 (MANE Select); coding-DNA position 1498, C replaced by T.
Protein change: p.His500Tyr; replaces histidine 500 with tyrosine.
Molecular consequence: missense variant.
Genome position (GRCh38, 1-based): chr19:2,118,816, G>A on the plus strand (C>T on the coding strand, the complement: AP3D1 is on the minus strand). VCF-style: chr19-2118816-G-A. GRCh37 (hg19) VCF-style: chr19-2118815-G-A.
Other names: c.1498C>T, p.His500Tyr (NM_001374799.1, NM_003938.8); c.1498C>T (NM_003938.5); short protein forms H500Y.
Identifiers: ClinVar variation 1422962 (VCV001422962.7), dbSNP rs570811396, ClinGen allele CA304159155.

ClinVar aggregate classification (germline): Uncertain significance. Review status: criteria provided, multiple submitters, no conflicts (2 of 4 stars). 2 submissions from 2 submitters: Uncertain significance (2). Last evaluated 2025-05-02.

Conditions:
Inborn genetic diseases. Identifiers: MedGen C0950123, MeSH D030342.

Allele frequency attached by ClinVar (database versions not stated): gnomAD exomes 0.00001; gnomAD 0.00003; TOPMed 0.00007; 1000 Genomes Project 30x 0.00016; 1000 Genomes Project 0.00020.
gnomAD v4.1: 11 of 1,613,528 alleles (0.00068%); highest among the groups gnomAD compares: Admixed American, 0.013%; no homozygotes.

Submissions (2):

Labcorp Genetics (formerly Invitae), Labcorp
Classification: Uncertain significance. Last evaluated: 2025-05-02. Review status: criteria provided, single submitter. Criteria: Invitae Variant Classification Sherloc (09022015). Collection method: clinical testing. Allele origin: germline.
Comment: This sequence change replaces histidine, which is basic and polar, with tyrosine, which is neutral and polar, at codon 500 of the AP3D1 protein (p.His500Tyr). This variant is present in population databases (rs570811396, gnomAD 0.006%). This variant has not been reported in the literature in individuals affected with AP3D1-related conditions. ClinVar contains an entry for this variant (Variation ID: 1422962). An algorithm developed to predict the effect of missense changes on protein structure and function (PolyPhen-2) suggests that this variant is likely to be tolerated. In summary, the available evidence is currently insufficient to determine the role of this variant in disease. Therefore, it has been classified as a Variant of Uncertain Significance.

Ambry Genetics
Classification: Uncertain significance for Inborn genetic diseases. Last evaluated: 2024-09-27. Review status: criteria provided, single submitter. Criteria: Ambry Variant Classification Scheme 2023. Collection method: clinical testing. Allele origin: germline.